The following is an entry in ClinVar:

NM_000214.3(JAG1):c.765= (p.Tyr255=)

Gene: JAG1 (jagged canonical Notch ligand 1; minus strand). Cytogenetic location: 20p12.2.
Variant type: single nucleotide variant.
Coding change: c.765= on transcript NM_000214.3 (MANE Select); coding-DNA position 765, no change from the reference sequence.
Protein change: p.Tyr255=; no amino-acid change (tyrosine 255 retained).
Molecular consequence: no sequence alteration.
Genome position: GRCh38 VCF-style: chr20-10652589-G-G. GRCh37 (hg19) VCF-style: chr20-10633237-G-G.
Other names: c.765=, p.Tyr255= (LRG_1191t1).
Identifiers: ClinVar variation 163705 (VCV000163705.4), dbSNP rs1131695.

ClinVar aggregate classification (germline): Benign (1 of 4 stars; one submission).

Allele frequency attached by ClinVar (database versions not stated): gnomAD exomes 0.54409 and 0.54413; ExAC 0.54593; gnomAD 0.56849 and 0.57070; TOPMed 0.57239; 1000 Genomes Project 30x 0.57261; ESP Exome Variant Server 0.57535; 1000 Genomes Project 0.57668.

Submission:

Laboratory for Molecular Medicine, Mass General Brigham Personalized Medicine
Classification: Benign. Last evaluated: 2016-03-30. Review status: criteria provided, single submitter. Criteria: LMM Criteria. Collection method: clinical testing. Allele origin: germline. Observed: 42 variant alleles.
Comment: p.Tyr255Tyr in exon 6 of JAG1: This variant is not expected to have clinical sig nificance because it does not alter an amino acid residue and is not located wit hin the splice consensus sequence. It has been identified in 47% (7735/16502) of South Asian chromosomes by the Exome Aggregation Consortium (ExAC.; dbSNP 1131695).